The following is an entry in ClinVar:

ClinVar aggregate classification (germline): Uncertain significance (1 of 4 stars; one submission).

Conditions:
Supravalvar aortic stenosis (SVAS). Also called: Supravalvar aortic stenosis, Eisenberg type. Identifiers: Orphanet 3193, MedGen C0003499, MONDO:0008504, OMIM 185500, HP:0004381.

Allele frequency attached by ClinVar (database versions not stated): gnomAD exomes below 0.00001.
gnomAD v4.1: 1 of 1,613,822 alleles (0.000062%); highest among the groups gnomAD compares: Admixed American, 0.0017%; no homozygotes.

Submission:

Labcorp Genetics (formerly Invitae), Labcorp
Classification: Uncertain significance for Supravalvar aortic stenosis. Last evaluated: 2023-03-25. Review status: criteria provided, single submitter. Criteria: Invitae Variant Classification Sherloc (09022015). Collection method: clinical testing. Allele origin: germline.
Comment: This sequence change replaces glycine, which is neutral and non-polar, with valine, which is neutral and non-polar, at codon 431 of the ELN protein (p.Gly431Val). This variant is present in population databases (no rsID available, gnomAD 0.003%). This variant has not been reported in the literature in individuals affected with ELN-related conditions. Advanced modeling of protein sequence and biophysical properties (such as structural, functional, and spatial information, amino acid conservation, physicochemical variation, residue mobility, and thermodynamic stability) performed at Invitae indicates that this missense variant is not expected to disrupt ELN protein function. In summary, the available evidence is currently insufficient to determine the role of this variant in disease. Therefore, it has been classified as a Variant of Uncertain Significance.

NM_000501.4(ELN):c.1292G>T (p.Gly431Val)

Gene: ELN (elastin; plus strand). Cytogenetic location: 7q11.23.
Variant type: single nucleotide variant.
Coding change: c.1292G>T on transcript NM_000501.4 (MANE Select); coding-DNA position 1292, G replaced by T.
Protein change: p.Gly431Val; replaces glycine 431 with valine.
Molecular consequence: missense variant. On other transcripts: intron variant (2).
Genome position (GRCh38, 1-based): chr7:74,056,412, G>T. VCF-style: chr7-74056412-G-T. GRCh37 (hg19) VCF-style: chr7-73470742-G-T.
Other names: c.1262G>T, p.Gly421Val (NM_001081752.3, NM_001278917.2); c.1307G>T, p.Gly436Val (NM_001081753.3, NM_001081754.3); c.1292G>T, p.Gly431Val (NM_001081755.3, NM_001278912.2, NM_001278915.2 and 1 more transcripts); c.1277G>T, p.Gly426Val (NM_001278914.2); c.1250G>T, p.Gly417Val (NM_001278916.2); c.1129+55G>T (NM_001278913.2); c.1105+55G>T (NM_001278918.2); short protein forms G417V, G436V, G431V, G421V, G426V.
Identifiers: ClinVar variation 2987685 (VCV002987685.3), dbSNP rs1554679843, ClinGen allele CA367881848.
Genomic context (GRCh38, chr7:74,056,412, plus strand): 5'-TCGGAGGTATCCCTGGAGTCGCAGGTGTCCCTGGTGTCGGAGGTGTTCCCGGAGTCGGAG[G>T]TGTCCCGGGAGTTGGCATTTCCCGTGAGCCTTAGTCACACCTGGGGACATGGGTTGAGAA-3'
Protein context (NP_000492.2, residues 421-441): PGVGGVPGVG[Gly431Val]VPGVGISPEA